The following is an entry in ClinVar:

ClinVar aggregate classification (germline): Uncertain significance (1 of 4 stars; one submission).

Conditions:
Spinocerebellar ataxia 47 (NEDMSF). Also called: PADDAS SYNDROME; neurodevelopmental disorder with motor abnormalities, seizures, and facial dysmorphism. Identifiers: Orphanet 642747, MedGen C4693672, MONDO:0033482, OMIM 620719.

Allele frequency attached by ClinVar (database versions not stated): TOPMed 0.00001.

Submission:

Baylor Genetics
Classification: Uncertain significance. Last evaluated: 2020-01-16. Review status: criteria provided, single submitter. Criteria: ACMG Guidelines, 2015. Collection method: clinical testing. Allele origin: unknown. Affected: yes.
Comment: This variant was determined to be of uncertain significance according to ACMG Guidelines, 2015 [PMID:25741868].

NM_001020658.2(PUM1):c.1444G>A (p.Ala482Thr)

Gene: PUM1 (pumilio RNA binding family member 1; minus strand). Cytogenetic location: 1p35.2.
Variant type: single nucleotide variant.
Coding change: c.1444G>A on transcript NM_001020658.2 (MANE Select); coding-DNA position 1444, G replaced by A.
Protein change: p.Ala482Thr; replaces alanine 482 with threonine.
Molecular consequence: missense variant.
Genome position (GRCh38, 1-based): chr1:30,974,713, C>T on the plus strand (G>A on the coding strand, the complement: PUM1 is on the minus strand). VCF-style: chr1-30974713-C-T. GRCh37 (hg19) VCF-style: chr1-31447560-C-T.
Other names: c.1444G>A, p.Ala482Thr (NM_014676.3); short protein forms A482T.
Identifiers: ClinVar variation 1030027 (VCV001030027.1), dbSNP rs1017436032, ClinGen allele CA20116066.